The following is an entry in ClinVar:

NM_014241.4(HACD1):c.133G>T (p.Glu45Ter)

Genes: HACD1 (3-hydroxyacyl-CoA dehydratase 1; minus strand), LOC130003454 (ATAC-STARR-seq lymphoblastoid silent region 2183; plus strand). Cytogenetic location: 10p12.33.
Variant type: single nucleotide variant.
Coding change: c.133G>T on transcript NM_014241.4 (MANE Select); coding-DNA position 133, G replaced by T.
Protein change: p.Glu45Ter; replaces glutamic acid 45 with a stop codon.
Molecular consequence: nonsense.
Genome position (GRCh38, 1-based): chr10:17,617,207, C>A on the plus strand (G>T on the coding strand, the complement: HACD1 is on the minus strand). VCF-style: chr10-17617207-C-A. GRCh37 (hg19) VCF-style: chr10-17659206-C-A.
Other names: short protein forms E45*.
Identifiers: ClinVar variation 3605210 (VCV003605210.2).

ClinVar aggregate classification (germline): Pathogenic (1 of 4 stars; one submission).

Submission:

Labcorp Genetics (formerly Invitae), Labcorp
Classification: Pathogenic. Last evaluated: 2024-12-20. Review status: criteria provided, single submitter. Criteria: Invitae Variant Classification Sherloc (09022015). Collection method: clinical testing. Allele origin: germline.
Comment: This sequence change creates a premature translational stop signal (p.Glu45*) in the HACD1 gene. It is expected to result in an absent or disrupted protein product. Loss-of-function variants in HACD1 are known to be pathogenic (PMID: 23933735). This variant is not present in population databases (gnomAD no frequency). This variant has not been reported in the literature in individuals affected with HACD1-related conditions. For these reasons, this variant has been classified as Pathogenic.

Literature cited by the submitters: PubMed 23933735.